The following is an entry in ClinVar:

ClinVar aggregate classification (germline): Likely benign. Review status: criteria provided, multiple submitters, no conflicts (2 of 4 stars). 2 submissions from 2 submitters: Likely benign (2). Last evaluated 2025-04-07.

Conditions:
Hyperkalemic periodic paralysis. Also called: Familial hyperkalemic periodic paralysis; Gamstorp disease. Identifiers: Orphanet 682, MedGen C0238357, MONDO:0008224, OMIM 170500, HP:0007215.

Allele frequency attached by ClinVar (database versions not stated): gnomAD exomes 0.00001 and 0.00003; gnomAD 0.00002 and 0.00003; TOPMed 0.00002; ExAC 0.00003.
gnomAD v4.1: 22 of 1,610,036 alleles (0.0014%); highest among the groups gnomAD compares: Admixed American, 0.005%; no homozygotes.

Submissions (2):

Labcorp Genetics (formerly Invitae), Labcorp
Classification: Likely benign for Hyperkalemic periodic paralysis. Last evaluated: 2025-04-07. Review status: criteria provided, single submitter. Criteria: Invitae Variant Classification Sherloc (09022015). Collection method: clinical testing. Allele origin: germline.

GeneDx
Classification: Likely benign. Last evaluated: 2016-06-08. Review status: criteria provided, single submitter. Criteria: GeneDx Variant Classification (06012015). Collection method: clinical testing. Allele origin: germline. Affected: yes.
Comment: This variant is considered likely benign or benign based on one or more of the following criteria: it is a conservative change, it occurs at a poorly conserved position in the protein, it is predicted to be benign by multiple in silico algorithms, and/or has population frequency not consistent with disease.

NM_000334.4(SCN4A):c.4359G>A (p.Ala1453=)

Genes: GH-LCR (growth hormone locus control region; plus strand), SCN4A (sodium voltage-gated channel alpha subunit 4; minus strand). Cytogenetic location: 17q23.3.
Variant type: single nucleotide variant.
Coding change: c.4359G>A on transcript NM_000334.4 (MANE Select); coding-DNA position 4359, G replaced by A.
Protein change: p.Ala1453=; no amino-acid change (alanine 1453 retained).
Molecular consequence: synonymous variant.
Genome position (GRCh38, 1-based): chr17:63,941,923, C>T on the plus strand (G>A on the coding strand, the complement: SCN4A is on the minus strand). VCF-style: chr17-63941923-C-T. GRCh37 (hg19) VCF-style: chr17-62019283-C-T.
Identifiers: ClinVar variation 386475 (VCV000386475.12), dbSNP rs757915411, ClinGen allele CA8708983.